The following is an entry in ClinVar:

ClinVar aggregate classification (germline): Uncertain significance (1 of 4 stars; one submission).

Conditions:
Charcot-Marie-Tooth disease axonal type 2C (HMSN2C). Also called: CHARCOT-MARIE-TOOTH DISEASE, AXONAL, AUTOSOMAL DOMINANT, TYPE 2C; Charcot-Marie-Tooth Neuropathy Type 2C; Charcot-Marie-Tooth Disease Type 2, TRPV4-Related (CMT2C). Identifiers: Orphanet 99937, MedGen C1853710, MONDO:0011633, OMIM 606071.

Submission:

Labcorp Genetics (formerly Invitae), Labcorp
Classification: Uncertain significance for Charcot-Marie-Tooth disease axonal type 2C. Last evaluated: 2023-10-10. Review status: criteria provided, single submitter. Criteria: Invitae Variant Classification Sherloc (09022015). Collection method: clinical testing. Allele origin: germline.
Comment: This sequence change affects a donor splice site in intron 7 of the TRPV4 gene. It is expected to disrupt RNA splicing. Variants that disrupt the donor or acceptor splice site typically lead to a loss of protein function (PMID: 16199547), however the current clinical and genetic evidence is not sufficient to establish whether loss-of-function variants in TRPV4 cause disease. This variant is not present in population databases (gnomAD no frequency). This variant has not been reported in the literature in individuals affected with TRPV4-related conditions. Algorithms developed to predict the effect of sequence changes on RNA splicing suggest that this variant may disrupt the consensus splice site. In summary, the available evidence is currently insufficient to determine the role of this variant in disease. Therefore, it has been classified as a Variant of Uncertain Significance.

Literature cited by the submitters: PubMed 16199547.

NM_021625.5(TRPV4):c.1332+1G>A

Gene: TRPV4 (transient receptor potential cation channel subfamily V member 4; minus strand). Cytogenetic location: 12q24.11.
Variant type: single nucleotide variant.
Coding change: c.1332+1G>A on transcript NM_021625.5 (MANE Select); the canonical splice donor site of the intron after coding-DNA position 1332, G replaced by A.
Molecular consequence: splice donor variant. On other transcripts: intron variant (2).
Genome position (GRCh38, 1-based): chr12:109,796,524, C>T on the plus strand (G>A on the coding strand, the complement: TRPV4 is on the minus strand). VCF-style: chr12-109796524-C-T. GRCh37 (hg19) VCF-style: chr12-110234329-C-T.
Other names: c.1012-2037G>A (NM_001177433.1); c.1191+1G>A (NM_001177428.1); c.1153-2037G>A (NM_147204.2); c.1230+1G>A (NM_001177431.1).
Identifiers: ClinVar variation 2839808 (VCV002839808.3), dbSNP rs2548740369, ClinGen allele CA386653372.